The following is an entry in ClinVar:

NM_001360016.2(G6PD):c.1089C>G (p.Asn363Lys)

Gene: G6PD (glucose-6-phosphate dehydrogenase; minus strand). Cytogenetic location: Xq28.
Variant type: single nucleotide variant.
Coding change: c.1089C>G on transcript NM_001360016.2 (MANE Select); coding-DNA position 1089, C replaced by G.
Protein change: p.Asn363Lys; replaces asparagine 363 with lysine.
Molecular consequence: missense variant.
Genome position (GRCh38, 1-based): chrX:154,532,765, G>C on the plus strand (C>G on the coding strand, the complement: G6PD is on the minus strand). VCF-style: chrX-154532765-G-C. GRCh37 (hg19) VCF-style: chrX-153760980-G-C.
Other names: G6PD Aachen; c.1179C>G, p.Asn393Lys (NM_000402.4); c.1089C>G, p.Asn363Lys (NM_001042351.3); short protein forms N363K, N393K.
Identifiers: ClinVar variation 986140 (VCV000986140.5), dbSNP rs137852329, ClinGen allele CA415234252.

ClinVar aggregate classification (germline): Pathogenic/Likely pathogenic. Review status: criteria provided, multiple submitters, no conflicts (2 of 4 stars). 2 submissions from 2 submitters: Pathogenic (1); Likely pathogenic (1). Last evaluated 2022-08-12.

Conditions:
Inborn genetic diseases. Identifiers: MedGen C0950123, MeSH D030342.
Anemia, nonspherocytic hemolytic, due to G6PD deficiency (CNSHA1). Also called: ANEMIA, CONGENITAL, NONSPHEROCYTIC HEMOLYTIC, 1; Class I glucose-6-phosphate dehydrogenase deficiency; Favism, susceptibility to; Hemolytic anemia due to G6PD deficiency. Identifiers: Orphanet 466026, MedGen C2720289, MONDO:0010480, OMIM 300908.

Submissions (2):

Dunham Lab, University of Washington
Classification: Pathogenic for Anemia, nonspherocytic hemolytic, due to G6PD deficiency. Last evaluated: 2022-08-12. Review status: criteria provided, single submitter. Criteria: Bayesian ACMG Guidelines, 2018. Collection method: curation. Allele origin: inherited. Affected: yes.
Comment: Variant found in hemizygotes with G6PD deficiency and anemia (PP4). Inherited with deficiency through five generations in one family (PP1). Decreased activity in red blood cells (3-30%) (PS3). Not found in gnomAD (PM2). Leads to same amino acid change as pathogenic variant (ClinVar ID 10390) (PS1). Post_P 0.999 (odds of pathogenicity 6551, Prior_P 0.1).

Ambry Genetics
Classification: Likely pathogenic for Inborn genetic diseases. Last evaluated: 2018-07-30. Review status: criteria provided, single submitter. Criteria: Ambry exome assertion method (8-5-2015). Collection method: clinical testing. Allele origin: germline. Affected: yes. Observed: 1 variant allele.

Literature cited by the submitters: PubMed 1270075 (cited by Dunham Lab, University of Washington); PubMed 11261779 (cited by Dunham Lab, University of Washington); PubMed 10772881 (cited by Dunham Lab, University of Washington and Ambry Genetics); PubMed 1999409 (cited by Ambry Genetics); PubMed 15858258 (cited by Ambry Genetics); PubMed 27408423 (cited by Ambry Genetics).